The following is an entry in ClinVar:

NC_000017.10:g.(?_29422322)_(29701178_?)del

Genes: EVI2A (ecotropic viral integration site 2A; minus strand), EVI2B (ecotropic viral integration site 2B; minus strand), NF1 (neurofibromin 1; plus strand), OMG (oligodendrocyte myelin glycoprotein; minus strand). Cytogenetic location: 17q11.2.
Variant type: Deletion.
Identifiers: ClinVar variation 1073833 (VCV001073833.1).

ClinVar aggregate classification (germline): Pathogenic (1 of 4 stars; one submission).

Conditions:
Neurofibromatosis, type 1 (NF1). Also called: VON RECKLINGHAUSEN DISEASE; Peripheral type neurofibromatosis; NEUROFIBROMATOSIS, TYPE I, SOMATIC; Neurofibromatosis, type I. Identifiers: Orphanet 636, MedGen C0027831, MONDO:0018975, OMIM 162200. Disease mechanism: loss of function.

Submission:

Labcorp Genetics (formerly Invitae), Labcorp
Classification: Pathogenic for Neurofibromatosis, type 1. Last evaluated: 2020-09-15. Review status: criteria provided, single submitter. Criteria: Invitae Variant Classification Sherloc (09022015). Collection method: clinical testing. Allele origin: germline.
Comment: A gross deletion of the genomic region encompassing the full coding sequence of the NF1 gene has been identified. The boundaries of this event are unknown as the deletion extends beyond the assayed region for this gene and therefore may encompass additional genes. Similar deletions of NF1 including larger contiguous gene deletions have been observed in individual(s) with neurofibromatosis type 1 (PMID: 10631140, 10587576, 25541118, 22837079, 25480383) and in the mosaic state in individual(s) without clinical features of neurofibromatosis type 1 (PMID: 23532973). Loss-of-function variants in NF1 are known to be pathogenic (PMID: 10712197, 23913538). For these reasons, this variant has been classified as Pathogenic.

Literature cited by the submitters: PubMed 10631140; PubMed 10587576; PubMed 25541118; PubMed 22837079; PubMed 25480383; PubMed 23532973; PubMed 10712197; PubMed 23913538.